The following is an entry in ClinVar:

NM_004408.4(DNM1):c.1261C>T (p.Arg421Ter)

Gene: DNM1 (dynamin 1; plus strand). Cytogenetic location: 9q34.11.
Variant type: single nucleotide variant.
Coding change: c.1261C>T on transcript NM_004408.4 (MANE Select); coding-DNA position 1261, C replaced by T.
Protein change: p.Arg421Ter; replaces arginine 421 with a stop codon.
Molecular consequence: nonsense. On other transcripts: intron variant (3).
Genome position (GRCh38, 1-based): chr9:128,224,315, C>T. VCF-style: chr9-128224315-C-T. GRCh37 (hg19) VCF-style: chr9-130986594-C-T.
Other names: c.1261C>T, p.Arg421Ter (NM_001005336.3); c.1196+1455C>T (NM_001288738.2, NM_001288737.2, NM_001288739.2); c.1261C>T (NM_004408.2); short protein forms R421*.
Identifiers: ClinVar variation 476058 (VCV000476058.9), dbSNP rs200535620, ClinGen allele CA5258038.

ClinVar aggregate classification (germline): Conflicting classifications of pathogenicity. Review status: criteria provided, conflicting classifications (1 of 4 stars). 2 submissions from 2 submitters: Pathogenic (1); Likely benign (1). Last evaluated 2025-08-10.

Conditions:
Developmental and epileptic encephalopathy, 31A. Also called: Epileptic encephalopathy, early infantile, 31; Developmental and epileptic encephalopathy, 31. Identifiers: Orphanet 2382, MedGen C4225357, MONDO:0014598, OMIM 616346.
Inborn genetic diseases. Identifiers: MedGen C0950123, MeSH D030342.

Allele frequency attached by ClinVar (database versions not stated): ExAC 0.00002; TOPMed 0.00002; gnomAD 0.00003; gnomAD exomes 0.00003 and 0.00004.
gnomAD v4.1: 47 of 1,613,934 alleles (0.0029%); highest among the groups gnomAD compares: East Asian, 0.011%; no homozygotes.

Submissions (2):

Labcorp Genetics (formerly Invitae), Labcorp
Classification: Pathogenic for Developmental and epileptic encephalopathy, 31A. Last evaluated: 2025-08-10. Review status: criteria provided, single submitter. Criteria: Invitae Variant Classification Sherloc (09022015). Collection method: clinical testing. Allele origin: germline.
Comment: This sequence change creates a premature translational stop signal (p.Arg421*) in the DNM1 gene. It is expected to result in an absent or disrupted protein product. Loss-of-function variants in DNM1 are known to be pathogenic (PMID: 34172529). This variant is present in population databases (rs200535620, gnomAD 0.02%). This premature translational stop signal has been observed in individual(s) with clinical features of developmental and epileptic encephalopathy (PMID: 33004838). ClinVar contains an entry for this variant (Variation ID: 476058). For these reasons, this variant has been classified as Pathogenic.

Ambry Genetics
Classification: Likely benign for Inborn genetic diseases. Last evaluated: 2023-11-28. Review status: criteria provided, single submitter. Criteria: Ambry Variant Classification Scheme 2023. Collection method: clinical testing. Allele origin: germline.

Literature cited by the submitters: PubMed 34172529 (cited by Labcorp Genetics (formerly Invitae), Labcorp); PubMed 33004838 (cited by Labcorp Genetics (formerly Invitae), Labcorp).